The following is an entry in ClinVar:

ClinVar aggregate classification (germline): Uncertain significance. Review status: criteria provided, multiple submitters, no conflicts (2 of 4 stars). 2 submissions from 2 submitters: Uncertain significance (2). Last evaluated 2024-02-08.

Allele frequency attached by ClinVar (database versions not stated): gnomAD exomes below 0.00001.
gnomAD v4.1: 1 of 1,607,344 alleles (0.000062%); highest among the groups gnomAD compares: Middle Eastern, 0.017%; no homozygotes.

Submissions (2):

Women's Health and Genetics/Laboratory Corporation of America, LabCorp
Classification: Uncertain significance. Last evaluated: 2024-02-08. Review status: criteria provided, single submitter. Criteria: LabCorp Variant Classification Summary - May 2015. Collection method: clinical testing. Allele origin: germline.
Comment: Variant summary: PTPN23 c.2029G>A (p.Asp677Asn) results in a conservative amino acid change located in the ALIX V-shaped domain (IPR025304) of the encoded protein sequence. Three of five in-silico tools predict a damaging effect of the variant on protein function. The variant was absent in 242786 control chromosomes (gnomAD). The available data on variant occurrences in the general population are insufficient to allow any conclusion about variant significance. To our knowledge, no occurrence of c.2029G>A in individuals affected with Neurodevelopmental Disorder And Structural Brain Anomalies With Or Without Seizures And Spasticity and no experimental evidence demonstrating its impact on protein function have been reported. ClinVar contains an entry for this variant (Variation ID: 1722432). Based on the evidence outlined above, the variant was classified as uncertain significance.

Blueprint Genetics
Classification: Uncertain significance. Last evaluated: 2023-09-29. Review status: criteria provided, single submitter. Criteria: ACMG Guidelines, 2015. Collection method: clinical testing. Allele origin: germline.

NM_015466.4(PTPN23):c.2029G>A (p.Asp677Asn)

Gene: PTPN23 (protein tyrosine phosphatase non-receptor type 23; plus strand). Cytogenetic location: 3p21.31.
Variant type: single nucleotide variant.
Coding change: c.2029G>A on transcript NM_015466.4 (MANE Select); coding-DNA position 2029, G replaced by A.
Protein change: p.Asp677Asn; replaces aspartic acid 677 with asparagine.
Molecular consequence: missense variant.
Genome position (GRCh38, 1-based): chr3:47,409,734, G>A. VCF-style: chr3-47409734-G-A. GRCh37 (hg19) VCF-style: chr3-47451224-G-A.
Other names: c.1651G>A, p.Asp551Asn (NM_001304482.2); short protein forms D551N, D677N.
Identifiers: ClinVar variation 1722432 (VCV001722432.4), dbSNP rs2546248382, ClinGen allele CA352556841.